The following is an entry in ClinVar:

Conditions:
Breast-ovarian cancer, familial, susceptibility to, 1 (BROVCA1). Also called: BRCA1 Hereditary Breast and Ovarian Cancer; OVARIAN CANCER, SUSCEPTIBILITY TO. Identifiers: Orphanet 145, MedGen C2676676, MONDO:0011450, OMIM 604370. Disease mechanism: loss of function.

Submission:

Brotman Baty Institute, University of Washington
No classification provided (evidence only). Condition: Breast-ovarian cancer, familial 1. Review status: no classification provided. Collection method: in vitro. Allele origin: not applicable. Functional consequence: functionally_normal.
ClinVar note: "not provided" was previously submitted as the classification for the variant. However, the classification appeared to be based only on an observation of functional data so it was converted to no classification on 2025-07-30.

NM_007294.4(BRCA1):c.5355G>A (p.Gln1785=)

Gene: BRCA1 (BRCA1 DNA repair associated; minus strand). Cytogenetic location: 17q21.31.
Variant type: single nucleotide variant.
Coding change: c.5355G>A on transcript NM_007294.4 (MANE Select); coding-DNA position 5355, G replaced by A.
Protein change: p.Gln1785=; no amino-acid change (glutamine 1785 retained).
Molecular consequence: synonymous variant. On other transcripts: intron variant (19).
Genome position (GRCh38, 1-based): chr17:43,049,172, C>T on the plus strand (G>A on the coding strand, the complement: BRCA1 is on the minus strand). VCF-style: chr17-43049172-C-T. GRCh37 (hg19) VCF-style: chr17-41201189-C-T.
Other names: c.5142G>A, p.Gln1714= (NM_001407571.1, NM_001407894.1, NM_001407895.1 and 12 more transcripts); c.5421G>A, p.Gln1807= (NM_001407581.1, NM_001407582.1); c.5418G>A, p.Gln1806= (NM_001407583.1, NM_001407585.1, NM_001407587.1 and 1 more transcripts); c.5415G>A, p.Gln1805= (NM_001407590.1, NM_001407591.1); c.5355G>A, p.Gln1785= (NM_001407593.1, NM_001407594.1, NM_001407596.1 and 5 more transcripts); c.5352G>A, p.Gln1784= (NM_001407610.1, NM_001407611.1, NM_001407612.1 and 14 more transcripts); c.5349G>A, p.Gln1783= (NM_001407627.1, NM_001407628.1, NM_001407629.1 and 13 more transcripts); c.5346G>A, p.Gln1782= (NM_001407644.1, NM_001407645.1); and 84 more.
Identifiers: ClinVar variation 868370 (VCV000868370.3), dbSNP rs397509269, ClinGen allele CA500143312.